The following is an entry in ClinVar:

ClinVar aggregate classification (germline): Uncertain significance (1 of 4 stars; one submission).

Allele frequency attached by ClinVar (database versions not stated): ExAC 0.00001; gnomAD exomes 0.00001.
gnomAD v4.1: 13 of 1,603,658 alleles (0.00081%); highest among the groups gnomAD compares: Admixed American, 0.0017%; no homozygotes.

Submission:

CeGaT Center for Human Genetics Tuebingen
Classification: Uncertain significance. Last evaluated: 2024-05-01. Review status: criteria provided, single submitter. Criteria: CeGaT Center For Human Genetics Tuebingen Variant Classification Criteria Version 2. Collection method: clinical testing. Allele origin: germline. Affected: yes. Observed: 1 variant allele.
Comment: HERC2: PM2

NM_004667.6(HERC2):c.12565A>G (p.Met4189Val)

Gene: HERC2 (HECT and RLD domain containing E3 ubiquitin protein ligase 2; minus strand). Cytogenetic location: 15q13.1.
Variant type: single nucleotide variant.
Coding change: c.12565A>G on transcript NM_004667.6 (MANE Select); coding-DNA position 12565, A replaced by G.
Protein change: p.Met4189Val; replaces methionine 4189 with valine.
Molecular consequence: missense variant.
Genome position (GRCh38, 1-based): chr15:28,132,105, T>C on the plus strand (A>G on the coding strand, the complement: HERC2 is on the minus strand). VCF-style: chr15-28132105-T-C. GRCh37 (hg19) VCF-style: chr15-28377251-T-C.
Other names: short protein forms M4189V.
Identifiers: ClinVar variation 3239307 (VCV003239307.19), dbSNP rs746962501.